The following is an entry in ClinVar:

ClinVar aggregate classification (germline): Uncertain significance (1 of 4 stars; one submission).

Submission:

Labcorp Genetics (formerly Invitae), Labcorp
Classification: Uncertain significance. Last evaluated: 2021-05-14. Review status: criteria provided, single submitter. Criteria: Invitae Variant Classification Sherloc (09022015). Collection method: clinical testing. Allele origin: germline.
Comment: This sequence change replaces glutamic acid with glutamine at codon 717 of the KCNH1 protein (p.Glu717Gln). The glutamic acid residue is moderately conserved and there is a small physicochemical difference between glutamic acid and glutamine. This variant is not present in population databases (ExAC no frequency). This variant has not been reported in the literature in individuals with KCNH1-related conditions. Advanced modeling of protein sequence and biophysical properties (such as structural, functional, and spatial information, amino acid conservation, physicochemical variation, residue mobility, and thermodynamic stability) performed at Invitae indicates that this missense variant is not expected to disrupt KCNH1 protein function. In summary, the available evidence is currently insufficient to determine the role of this variant in disease. Therefore, it has been classified as a Variant of Uncertain Significance.

NM_172362.3(KCNH1):c.2149G>C (p.Glu717Gln)

Gene: KCNH1 (potassium voltage-gated channel subfamily H member 1; minus strand). Cytogenetic location: 1q32.2.
Variant type: single nucleotide variant.
Coding change: c.2149G>C on transcript NM_172362.3 (MANE Select); coding-DNA position 2149, G replaced by C.
Protein change: p.Glu717Gln; replaces glutamic acid 717 with glutamine.
Molecular consequence: missense variant.
Genome position (GRCh38, 1-based): chr1:210,684,102, C>G on the plus strand (G>C on the coding strand, the complement: KCNH1 is on the minus strand). VCF-style: chr1-210684102-C-G. GRCh37 (hg19) VCF-style: chr1-210857444-C-G.
Other names: c.2068G>C, p.Glu690Gln (NM_002238.4); short protein forms E717Q, E690Q.
Identifiers: ClinVar variation 1395134 (VCV001395134.8), dbSNP rs2149001302, ClinGen allele CA344871773.